The following is an entry in ClinVar:

NM_145331.3(MAP3K7):c.737G>A (p.Gly246Asp)

Gene: MAP3K7 (mitogen-activated protein kinase kinase kinase 7; minus strand). Cytogenetic location: 6q15.
Variant type: single nucleotide variant.
Coding change: c.737G>A on transcript NM_145331.3 (MANE Select); coding-DNA position 737, G replaced by A.
Protein change: p.Gly246Asp; replaces glycine 246 with aspartic acid.
Molecular consequence: missense variant.
Genome position (GRCh38, 1-based): chr6:90,552,179, C>T on the plus strand (G>A on the coding strand, the complement: MAP3K7 is on the minus strand). VCF-style: chr6-90552179-C-T. GRCh37 (hg19) VCF-style: chr6-91261898-C-T.
Other names: c.737G>A, p.Gly246Asp (NM_003188.4, NM_145332.3, NM_145333.3); c.737G>A (NM_145331.2); short protein forms G246D.
Identifiers: ClinVar variation 2021975 (VCV002021975.5), dbSNP rs2481817652, ClinGen allele CA365011995.

ClinVar aggregate classification (germline): Conflicting classifications of pathogenicity. Review status: criteria provided, conflicting classifications (1 of 4 stars). 2 submissions from 2 submitters: Uncertain significance (1); Likely benign (1). Last evaluated 2025-06-18.

Submissions (2):

GeneDx
Classification: Uncertain significance. Last evaluated: 2025-06-18. Review status: criteria provided, single submitter. Criteria: GeneDx Variant Classification Process June 2021. Collection method: clinical testing. Allele origin: germline. Affected: yes.
Comment: Not observed at significant frequency in large population cohorts (gnomAD); In silico analysis supports that this missense variant has a deleterious effect on protein structure/function; Has not been previously published as pathogenic or benign to our knowledge

Labcorp Genetics (formerly Invitae), Labcorp
Classification: Likely benign. Last evaluated: 2022-11-15. Review status: criteria provided, single submitter. Criteria: Invitae Variant Classification Sherloc (09022015). Collection method: clinical testing. Allele origin: germline.